The following is an entry in ClinVar:

NM_000492.4(CFTR):c.4058del (p.Gln1352_Leu1353insTer)

Gene: CFTR (CF transmembrane conductance regulator; plus strand). Cytogenetic location: 7q31.2.
Variant type: Deletion.
Coding change: c.4058del on transcript NM_000492.4 (MANE Select); coding-DNA position 4058, one base deleted (T; older notation c.4058delT).
Protein change: p.Gln1352_Leu1353insTer.
Molecular consequence: nonsense.
Genome position (GRCh38, 1-based): chr7:117,664,782, T deleted; the last of 2 consecutive T bases (chr7:117,664,781-117,664,782); deleting either gives the same sequence. VCF-style (leftmost placement, unchanged base first): chr7-117664780-GT-G. GRCh37 (hg19) VCF-style: chr7-117304834-GT-G.
Other names: c.4058delT (NM_000492.3).
Identifiers: ClinVar variation 596268 (VCV000596268.14), dbSNP rs1562928927, ClinGen allele CA913189947.
Genomic context (GRCh38, chr7:117,664,780, plus strand): 5'-TGGGAAGCTTGACTTTGTCCTTGTGGATGGGGGCTGTGTCCTAAGCCATGGCCACAAGCA[GT>G]TGATGTGCTTGGCTAGATCTGTTCTCAGTAAGGCGAAGATCTTGCTGCTTGATGAACCCA-3'

ClinVar aggregate classification (germline): Pathogenic. Review status: criteria provided, multiple submitters, no conflicts (2 of 4 stars). 4 submissions from 4 submitters: Pathogenic (4). Last evaluated 2020-10-06.

Conditions:
Cystic fibrosis (CF). Also called: MUCOVISCIDOSIS. Identifiers: Orphanet 586, MedGen C0010674, MONDO:0009061, OMIM 219700. Disease mechanism: loss of function.

Submissions (4):

Ambry Genetics
Classification: Pathogenic for Cystic fibrosis. Last evaluated: 2020-10-06. Review status: criteria provided, single submitter. Criteria: Ambry Variant Classification Scheme 2023. Collection method: clinical testing. Allele origin: germline.
Comment: The c.4058delT pathogenic mutation, located in coding exon 25 of the CFTR gene, results from a deletion of one nucleotide at nucleotide position 4058, causing a translational frameshift with a predicted alternate stop codon (p.L1353*). This alteration is expected to result in loss of function by premature protein truncation or nonsense-mediated mRNA decay. As such, this alteration is interpreted as a disease-causing mutation.

Labcorp Genetics (formerly Invitae), Labcorp
Classification: Pathogenic for Cystic fibrosis. Last evaluated: 2018-08-06. Review status: criteria provided, single submitter. Criteria: Invitae Variant Classification Sherloc (09022015). Collection method: clinical testing. Allele origin: germline.
Comment: This variant has not been reported in the literature in individuals with CFTR-related disease. Loss-of-function variants in CFTR are known to be pathogenic (PMID: 1695717, 7691345, 9725922). This variant is not present in population databases (ExAC no frequency). This sequence change creates a premature translational stop signal (p.Leu1353*) in the CFTR gene. It is expected to result in an absent or disrupted protein product. For these reasons, this variant has been classified as Pathogenic.

Eurofins Ntd Llc (ga)
Classification: Pathogenic. Last evaluated: 2018-02-23. Review status: criteria provided, single submitter. Criteria: EGL ClinVar v180209 classification definitions. Collection method: clinical testing. Allele origin: germline.

Quest Diagnostics Nichols Institute San Juan Capistrano
Classification: Pathogenic. Last evaluated: 2017-10-24. Review status: criteria provided, single submitter. Criteria: Quest Diagnostics criteria. Collection method: clinical testing. Allele origin: germline.

Literature cited by the submitters: PubMed 26385858 (cited by Ambry Genetics); PubMed 1695717 (cited by Labcorp Genetics (formerly Invitae), Labcorp); PubMed 7691345 (cited by Labcorp Genetics (formerly Invitae), Labcorp); PubMed 9725922 (cited by Labcorp Genetics (formerly Invitae), Labcorp).